The following is an entry in ClinVar:

ClinVar aggregate classification (germline): Uncertain significance. Review status: criteria provided, multiple submitters, no conflicts (2 of 4 stars). 3 submissions from 3 submitters: Uncertain significance (3). Last evaluated 2020-10-15.

Conditions:
Autosomal recessive limb-girdle muscular dystrophy type 2J (LGMDR10). Also called: Limb-girdle muscular dystrophy, type 2J; MUSCULAR DYSTROPHY, LIMB-GIRDLE, AUTOSOMAL RECESSIVE 10. Identifiers: Orphanet 140922, MedGen C1837342, MONDO:0012127, OMIM 608807.
Dilated cardiomyopathy 1G (CMD1G). Identifiers: Orphanet 154, MedGen C1858763, MONDO:0011400, OMIM 604145.

Allele frequency attached by ClinVar (database versions not stated): ExAC 0.00001; gnomAD exomes 0.00001.
gnomAD v4.1: 22 of 1,613,872 alleles (0.0014%); highest among the groups gnomAD compares: Admixed American, 0.0017%; no homozygotes.

Submissions (3):

Revvity Omics, Revvity
Classification: Uncertain significance. Last evaluated: 2020-10-15. Review status: criteria provided, single submitter. Criteria: ACMG Guidelines, 2015. Collection method: clinical testing. Allele origin: germline.

Laboratory for Molecular Medicine, Mass General Brigham Personalized Medicine
Classification: Uncertain significance. Last evaluated: 2020-06-15. Review status: criteria provided, single submitter. Criteria: LMM Criteria. Collection method: clinical testing. Allele origin: germline. Observed: 1 variant allele.
Comment: The p.Arg32672Trp variant in TTN has not been previously reported in individuals with cardiomyopathy but has been identified in 3/248812 of pan-ethnic chromosomes by gnomAD. This variant has also been reported by other clinical laboratories in ClinVar (Variation ID 535752). Computational prediction tools and conservation analyses do not provide strong support for or against an impact to the protein. In summary, the clinical significance of this variant is uncertain. ACMG/AMP Criteria applied: PM2.

Labcorp Genetics (formerly Invitae), Labcorp
Classification: Uncertain significance for Dilated cardiomyopathy 1G; Autosomal recessive limb-girdle muscular dystrophy type 2J. Last evaluated: 2017-12-27. Review status: criteria provided, single submitter. Criteria: Invitae Variant Classification Sherloc (09022015). Collection method: clinical testing. Allele origin: germline.

NM_001267550.2(TTN):c.105718C>T (p.Arg35240Trp)

Genes: TTN (titin; minus strand), TTN-AS1 (TTN antisense RNA 1; plus strand), LOC129935183 (ATAC-STARR-seq lymphoblastoid active region 16808; plus strand). Cytogenetic location: 2q31.2.
Variant type: single nucleotide variant.
Coding change: c.105718C>T on transcript NM_001267550.2 (MANE Select); coding-DNA position 105718, C replaced by T.
Protein change: p.Arg35240Trp; replaces arginine 35240 with tryptophan.
Molecular consequence: missense variant.
Genome position (GRCh38, 1-based): chr2:178,530,897, G>A on the plus strand (C>T on the coding strand, the complement: TTN is on the minus strand). VCF-style: chr2-178530897-G-A. GRCh37 (hg19) VCF-style: chr2-179395624-G-A.
Other names: c.100795C>T, p.Arg33599Trp (NM_001256850.1); c.78523C>T, p.Arg26175Trp (NM_003319.4); c.98014C>T, p.Arg32672Trp (NM_133378.4); c.78898C>T, p.Arg26300Trp (NM_133432.3); c.79099C>T, p.Arg26367Trp (NM_133437.4); short protein forms R35240W, R33599W, R26175W, R26300W, R32672W, R26367W.
Identifiers: ClinVar variation 535752 (VCV000535752.10), dbSNP rs752729073, ClinGen allele CA1985218.